The following is an entry in ClinVar:

NM_207346.3(TSEN54):c.1220C>A (p.Pro407Gln)

Gene: TSEN54 (tRNA splicing endonuclease subunit 54; plus strand). Cytogenetic location: 17q25.1.
Variant type: single nucleotide variant.
Coding change: c.1220C>A on transcript NM_207346.3 (MANE Select); coding-DNA position 1220, C replaced by A.
Protein change: p.Pro407Gln; replaces proline 407 with glutamine.
Molecular consequence: missense variant.
Genome position (GRCh38, 1-based): chr17:75,522,301, C>A. VCF-style: chr17-75522301-C-A. GRCh37 (hg19) VCF-style: chr17-73518382-C-A.
Other names: short protein forms P407Q.
Identifiers: ClinVar variation 3612983 (VCV003612983.1).

ClinVar aggregate classification (germline): Uncertain significance (1 of 4 stars; one submission).

Submission:

Labcorp Genetics (formerly Invitae), Labcorp
Classification: Uncertain significance. Last evaluated: 2024-06-11. Review status: criteria provided, single submitter. Criteria: Invitae Variant Classification Sherloc (09022015). Collection method: clinical testing. Allele origin: germline.
Comment: This sequence change replaces proline, which is neutral and non-polar, with glutamine, which is neutral and polar, at codon 407 of the TSEN54 protein (p.Pro407Gln). This variant is not present in population databases (gnomAD no frequency). This variant has not been reported in the literature in individuals affected with TSEN54-related conditions. Advanced modeling of protein sequence and biophysical properties (such as structural, functional, and spatial information, amino acid conservation, physicochemical variation, residue mobility, and thermodynamic stability) has been performed at Invitae for this missense variant, however the output from this modeling did not meet the statistical confidence thresholds required to predict the impact of this variant on TSEN54 protein function. This variant disrupts the p.Pro407 amino acid residue in TSEN54. Other variant(s) that disrupt this residue have been determined to be pathogenic (Invitae). This suggests that this residue is clinically significant, and that variants that disrupt this residue are likely to be disease-causing. In summary, the available evidence is currently insufficient to determine the role of this variant in disease. Therefore, it has been classified as a Variant of Uncertain Significance.